The following is an entry in ClinVar:

NM_003482.4(KMT2D):c.6297_6300dup (p.Ala2101fs)

Gene: KMT2D (lysine methyltransferase 2D; minus strand). Cytogenetic location: 12q13.12.
Variant type: Microsatellite.
Coding change: c.6297_6300dup on transcript NM_003482.4 (MANE Select); coding-DNA positions 6297 to 6300, 4 bases duplicated (ACCG; older notation c.6297_6300dupACCG).
Protein change: p.Ala2101fs; shifts the reading frame from alanine 2101.
Molecular consequence: frameshift variant.
Genome position (GRCh38, 1-based): chr12:49,041,470-49,041,473, CGGT duplicated on the plus strand (ACCG on the coding strand, the reverse complement: KMT2D is on the minus strand); duplicating any 4 consecutive bases within chr12:49,041,470-49,041,478 gives the same sequence; the c. name uses the placement nearest the transcript's 3' end. VCF-style (leftmost placement, unchanged base first): chr12-49041469-C-CCGGT. GRCh37 (hg19) VCF-style: chr12-49435252-C-CCGGT.
Other names: short protein forms A2101fs.
Identifiers: ClinVar variation 842599 (VCV000842599.8), dbSNP rs1943527583, ClinGen allele CA916083310.

ClinVar aggregate classification (germline): Pathogenic (1 of 4 stars; one submission).

Conditions:
Kabuki syndrome. Also called: NIIKAWA-KUROKI SYNDROME; Kabuki make-up syndrome. Identifiers: Orphanet 2322, MedGen C0796004, MONDO:0016512.

Submission:

Labcorp Genetics (formerly Invitae), Labcorp
Classification: Pathogenic for Kabuki syndrome. Last evaluated: 2019-12-24. Review status: criteria provided, single submitter. Criteria: Invitae Variant Classification Sherloc (09022015). Collection method: clinical testing. Allele origin: germline.
Comment: This sequence change creates a premature translational stop signal (p.Ala2101Thrfs*55) in the KMT2D gene. It is expected to result in an absent or disrupted protein product. For these reasons, this variant has been classified as Pathogenic. Loss-of-function variants in KMT2D are known to be pathogenic (PMID: 22126750). This variant has not been reported in the literature in individuals with KMT2D-related conditions. This variant is not present in population databases (ExAC no frequency).

Literature cited by the submitters: PubMed 22126750.